The following is an entry in ClinVar:

NM_001348768.2(HECW2):c.40C>T (p.Arg14Cys)

Gene: HECW2 (HECT, C2 and WW domain containing E3 ubiquitin protein ligase 2; minus strand). Cytogenetic location: 2q32.3.
Variant type: single nucleotide variant.
Coding change: c.40C>T on transcript NM_001348768.2 (MANE Select); coding-DNA position 40, C replaced by T.
Protein change: p.Arg14Cys; replaces arginine 14 with cysteine.
Molecular consequence: missense variant.
Genome position (GRCh38, 1-based): chr2:196,433,384, G>A on the plus strand (C>T on the coding strand, the complement: HECW2 is on the minus strand). VCF-style: chr2-196433384-G-A. GRCh37 (hg19) VCF-style: chr2-197298108-G-A.
Other names: c.40C>T, p.Arg14Cys (NM_020760.4); short protein forms R14C.
Identifiers: ClinVar variation 2651792 (VCV002651792.24), dbSNP rs1332568073, ClinGen allele CA350016331.

ClinVar aggregate classification (germline): Uncertain significance (1 of 4 stars; one submission).

Allele frequency attached by ClinVar (database versions not stated): gnomAD exomes below 0.00001.
gnomAD v4.1: 2 of 1,613,976 alleles (0.00012%); highest among the groups gnomAD compares: Admixed American, 0.0017%; no homozygotes.

Submission:

CeGaT Center for Human Genetics Tuebingen
Classification: Uncertain significance. Last evaluated: 2023-01-01. Review status: criteria provided, single submitter. Criteria: CeGaT Center For Human Genetics Tuebingen Variant Classification Criteria Version 2. Collection method: clinical testing. Allele origin: germline. Affected: yes. Observed: 1 variant allele.
Comment: HECW2: PM2, PP2